The following is an entry in ClinVar:

NM_181078.3(IL21R):c.1364A>T (p.Asp455Val)

Genes: IL21R (interleukin 21 receptor; plus strand), IL21R-AS1 (IL21R antisense RNA 1; minus strand), LOC130058713 (ATAC-STARR-seq lymphoblastoid active region 10627; plus strand). Cytogenetic location: 16p12.1.
Variant type: single nucleotide variant.
Coding change: c.1364A>T on transcript NM_181078.3 (MANE Select); coding-DNA position 1364, A replaced by T.
Protein change: p.Asp455Val; replaces aspartic acid 455 with valine.
Molecular consequence: missense variant. On other transcripts: non-coding transcript variant (1).
Genome position (GRCh38, 1-based): chr16:27,449,030, A>T. VCF-style: chr16-27449030-A-T. GRCh37 (hg19) VCF-style: chr16-27460351-A-T.
Other names: c.1364A>T, p.Asp455Val (NM_021798.4); c.1430A>T, p.Asp477Val (NM_181079.5); short protein forms D455V, D477V.
Identifiers: ClinVar variation 1038095 (VCV001038095.9), dbSNP rs370088512, ClinGen allele CA7975191.
Genomic context (GRCh38, chr16:27,449,030, plus strand): 5'-GCCCTGGGCTAGGAGGGCCCCTGGGAAGCCTCCTGGACAGACTAAAGCCACCCCTTGCAG[A>T]TGGGGAGGACTGGGCTGGGGGACTGCCCTGGGGTGGCCGGTCACCTGGAGGGGTCTCAGA-3'
Protein context (NP_851564.1, residues 445-465): LLDRLKPPLA[Asp455Val]GEDWAGGLPW

ClinVar aggregate classification (germline): Uncertain significance (1 of 4 stars; one submission).

Conditions:
Cryptosporidiosis-chronic cholangitis-liver disease syndrome. Also called: IL21R immunodeficiency; Immunodeficiency type 56. Identifiers: Orphanet 357329, MedGen C3554687, MONDO:0014082, OMIM 615207.

Allele frequency attached by ClinVar (database versions not stated): gnomAD 0.00001; gnomAD exomes 0.00002; TOPMed 0.00002; ExAC 0.00004; ESP Exome Variant Server 0.00008.
gnomAD v4.1: 26 of 1,612,042 alleles (0.0016%); highest among the groups gnomAD compares: Non-Finnish European, 0.0022%; no homozygotes.

Submission:

Labcorp Genetics (formerly Invitae), Labcorp
Classification: Uncertain significance for Cryptosporidiosis-chronic cholangitis-liver disease syndrome. Last evaluated: 2024-12-02. Review status: criteria provided, single submitter. Criteria: Invitae Variant Classification Sherloc (09022015). Collection method: clinical testing. Allele origin: germline.
Comment: This sequence change replaces aspartic acid, which is acidic and polar, with valine, which is neutral and non-polar, at codon 455 of the IL21R protein (p.Asp455Val). This variant is present in population databases (rs370088512, gnomAD 0.005%). This variant has not been reported in the literature in individuals affected with IL21R-related conditions. ClinVar contains an entry for this variant (Variation ID: 1038095). Invitae Evidence Modeling of protein sequence and biophysical properties (such as structural, functional, and spatial information, amino acid conservation, physicochemical variation, residue mobility, and thermodynamic stability) indicates that this missense variant is not expected to disrupt IL21R protein function with a negative predictive value of 80%. In summary, the available evidence is currently insufficient to determine the role of this variant in disease. Therefore, it has been classified as a Variant of Uncertain Significance.